The following is an entry in ClinVar:

ClinVar aggregate classification (germline): Likely benign. Review status: criteria provided, multiple submitters, no conflicts (2 of 4 stars). 2 submissions from 2 submitters: Likely benign (2). Last evaluated 2026-01-26.

Conditions:
WRN-related disorder. Also called: WRN-related condition.
Werner syndrome (WRN). Identifiers: Orphanet 902, MedGen C0043119, MONDO:0010196, OMIM 277700.

Allele frequency attached by ClinVar (database versions not stated): gnomAD exomes 0.00002 and 0.00004; ExAC 0.00006; gnomAD 0.00009 and 0.00010; TOPMed 0.00011; ESP Exome Variant Server 0.00015.
gnomAD v4.1: 41 of 1,614,076 alleles (0.0025%); highest among the groups gnomAD compares: African/African-American, 0.044%; no homozygotes.

Submissions (2):

Labcorp Genetics (formerly Invitae), Labcorp
Classification: Likely benign for Werner syndrome. Last evaluated: 2026-01-26. Review status: criteria provided, single submitter. Criteria: Invitae Variant Classification Sherloc (09022015). Collection method: clinical testing. Allele origin: germline.

PreventionGenetics, part of Exact Sciences
Classification: Likely benign for WRN-related condition. Last evaluated: 2024-12-17. Review status: criteria provided, single submitter. Criteria: ACMG Guidelines, 2015. Collection method: clinical testing. Allele origin: germline.
Comment: This variant is classified as likely benign based on ACMG/AMP sequence variant interpretation guidelines (Richards et al. 2015 PMID: 25741868, with internal and published modifications).

NM_000553.6(WRN):c.2886A>G (p.Gln962=)

Gene: WRN (WRN RecQ like helicase; plus strand). Cytogenetic location: 8p12.
Variant type: single nucleotide variant.
Coding change: c.2886A>G on transcript NM_000553.6 (MANE Select); coding-DNA position 2886, A replaced by G.
Protein change: p.Gln962=; no amino-acid change (glutamine 962 retained).
Molecular consequence: synonymous variant.
Genome position (GRCh38, 1-based): chr8:31,132,425, A>G. VCF-style: chr8-31132425-A-G. GRCh37 (hg19) VCF-style: chr8-30989941-A-G.
Identifiers: ClinVar variation 458433 (VCV000458433.11), dbSNP rs146727423, ClinGen allele CA4704874.